The following is an entry in ClinVar:

NM_004836.7(EIF2AK3):c.1504G>A (p.Asp502Asn)

Gene: EIF2AK3 (eukaryotic translation initiation factor 2 alpha kinase 3; minus strand). Cytogenetic location: 2p11.2.
Variant type: single nucleotide variant.
Coding change: c.1504G>A on transcript NM_004836.7 (MANE Select); coding-DNA position 1504, G replaced by A.
Protein change: p.Asp502Asn; replaces aspartic acid 502 with asparagine.
Molecular consequence: missense variant.
Genome position (GRCh38, 1-based): chr2:88,585,987, C>T on the plus strand (G>A on the coding strand, the complement: EIF2AK3 is on the minus strand). VCF-style: chr2-88585987-C-T. GRCh37 (hg19) VCF-style: chr2-88885505-C-T.
Other names: c.1051G>A, p.Asp351Asn (NM_001313915.2); short protein forms D351N, D502N.
Identifiers: ClinVar variation 897491 (VCV000897491.12), dbSNP rs141901506, ClinGen allele CA1754678.

ClinVar aggregate classification (germline): Conflicting classifications of pathogenicity. Review status: criteria provided, conflicting classifications (1 of 4 stars). 5 submissions from 5 submitters: Uncertain significance (3); Likely benign (2). Last evaluated 2025-01-16.

Conditions:
Wolcott-Rallison dysplasia. Also called: MED-IDDM SYNDROME; Wolcott-Rallison syndrome. Identifiers: Orphanet 1667, MedGen C0432217, MONDO:0009192, OMIM 226980.
Inborn genetic diseases. Identifiers: MedGen C0950123, MeSH D030342.

Allele frequency attached by ClinVar (database versions not stated): ESP Exome Variant Server 0.00023; TOPMed 0.00028; gnomAD 0.00030 and 0.00032; gnomAD exomes 0.00039 and 0.00049; ExAC 0.00049.
gnomAD v4.1: 756 of 1,613,940 alleles (0.047%); highest among the groups gnomAD compares: Non-Finnish European, 0.058%; 2 homozygotes.

Submissions (5):

ARUP Laboratories, Molecular Genetics and Genomics, ARUP Laboratories
Classification: Uncertain significance for Wolcott-Rallison dysplasia. Last evaluated: 2025-01-16. Review status: criteria provided, single submitter. Criteria: ARUP Molecular Germline Variant Investigation Process 2024. Collection method: clinical testing. Allele origin: germline.
Comment: The EIF2AK3 c.1504G>A; p.Asp502Asn variant (rs141901506), to our knowledge, is not reported in the medical literature but is reported in ClinVar (Variation ID: 897491).This variant is found in the general population with an overall allele frequency of 0.038% (107/282592) alleles in the Genome Aggregation Database (v2.1.1). Computational analyses predict that this variant is neutral (REVEL: 0.051). Due to limited information, the clinical significance of this variant is uncertain at this time.

Ambry Genetics
Classification: Likely benign for Inborn genetic diseases. Last evaluated: 2024-03-27. Review status: criteria provided, single submitter. Criteria: Ambry Variant Classification Scheme 2023. Collection method: clinical testing. Allele origin: germline.

Fulgent Genetics
Classification: Likely benign for Wolcott-Rallison dysplasia. Last evaluated: 2024-03-13. Review status: criteria provided, single submitter. Criteria: ACMG Guidelines, 2015. Collection method: clinical testing. Allele origin: germline.

Labcorp Genetics (formerly Invitae), Labcorp
Classification: Uncertain significance. Last evaluated: 2022-08-09. Review status: criteria provided, single submitter. Criteria: Invitae Variant Classification Sherloc (09022015). Collection method: clinical testing. Allele origin: germline.
Comment: This sequence change replaces aspartic acid, which is acidic and polar, with asparagine, which is neutral and polar, at codon 502 of the EIF2AK3 protein (p.Asp502Asn). This variant is present in population databases (rs141901506, gnomAD 0.07%). This variant has not been reported in the literature in individuals affected with EIF2AK3-related conditions. ClinVar contains an entry for this variant (Variation ID: 897491). Algorithms developed to predict the effect of missense changes on protein structure and function output the following: SIFT: "Tolerated"; PolyPhen-2: "Benign"; Align-GVGD: "Class C0". The asparagine amino acid residue is found in multiple mammalian species, which suggests that this missense change does not adversely affect protein function. In summary, the available evidence is currently insufficient to determine the role of this variant in disease. Therefore, it has been classified as a Variant of Uncertain Significance.

Illumina Laboratory Services, Illumina
Classification: Uncertain significance for Wolcott-Rallison dysplasia. Last evaluated: 2018-01-13. Review status: criteria provided, single submitter. Criteria: ICSL Variant Classification Criteria 13 December 2019. Collection method: clinical testing. Allele origin: germline.